The following is an entry in ClinVar:

ClinVar aggregate classification (germline): Uncertain significance (1 of 4 stars; one submission).

Submission:

Labcorp Genetics (formerly Invitae), Labcorp
Classification: Uncertain significance. Last evaluated: 2023-08-20. Review status: criteria provided, single submitter. Criteria: Invitae Variant Classification Sherloc (09022015). Collection method: clinical testing. Allele origin: germline.
Comment: In summary, the available evidence is currently insufficient to determine the role of this variant in disease. Therefore, it has been classified as a Variant of Uncertain Significance. Experimental studies and prediction algorithms are not available or were not evaluated, and the functional significance of this variant is currently unknown. This variant has not been reported in the literature in individuals affected with CYFIP2-related conditions. This variant is not present in population databases (gnomAD no frequency). This sequence change replaces cysteine, which is neutral and slightly polar, with arginine, which is basic and polar, at codon 98 of the CYFIP2 protein (p.Cys98Arg).

NM_001037333.3(CYFIP2):c.292T>C (p.Cys98Arg)

Gene: CYFIP2 (cytoplasmic FMR1 interacting protein 2; plus strand). Cytogenetic location: 5q33.3.
Variant type: single nucleotide variant.
Coding change: c.292T>C on transcript NM_001037333.3 (MANE Select); coding-DNA position 292, T replaced by C.
Protein change: p.Cys98Arg; replaces cysteine 98 with arginine.
Molecular consequence: missense variant.
Genome position (GRCh38, 1-based): chr5:157,296,679, T>C. VCF-style: chr5-157296679-T-C. GRCh37 (hg19) VCF-style: chr5-156723687-T-C.
Other names: c.214T>C, p.Cys72Arg (NM_001291721.2); c.292T>C, p.Cys98Arg (NM_001291722.2, NM_014376.4); short protein forms C98R, C72R.
Identifiers: ClinVar variation 2754206 (VCV002754206.3), dbSNP rs2532288164, ClinGen allele CA361965864.